The following is an entry in ClinVar:

ClinVar aggregate classification (germline): Conflicting classifications of pathogenicity. Review status: criteria provided, conflicting classifications (1 of 4 stars). 3 submissions from 3 submitters: Pathogenic (1); Uncertain significance (1). 1 of the submissions does not count toward it. Last evaluated 2025-10-07.

Conditions:
Cataract 2, multiple types (CTRCT2). Also called: CATARACT 2, ZONULAR PULVERULENT; CATARACT 2, MULTIPLE TYPES, WITH OR WITHOUT MICROCORNEA; CATARACT 2, NUCLEAR, WITH MICROCORNEA; CATARACT 2, NUCLEAR. Identifiers: Orphanet 91492, MedGen C4721890, MONDO:0100436, OMIM 604307.
Nuclear pulverulent cataract (CTRCT2). Identifiers: MedGen C1852438, HP:0010698.

Submissions (3):

Labcorp Genetics (formerly Invitae), Labcorp
Classification: Uncertain significance for Nuclear pulverulent cataract. Last evaluated: 2025-10-07. Review status: criteria provided, single submitter. Criteria: Invitae Variant Classification Sherloc (09022015). Collection method: clinical testing. Allele origin: germline.
Comment: This sequence change creates a premature translational stop signal (p.Cys42Alafs*63) in the CRYGC gene. While this is not anticipated to result in nonsense mediated decay, it is expected to disrupt the last 133 amino acid(s) of the CRYGC protein. This variant is not present in population databases (gnomAD no frequency). This premature translational stop signal has been observed in individual(s) with congenital cataracts (PMID: 10914683; internal data). ClinVar contains an entry for this variant (Variation ID: 16944). Algorithms developed to predict the effect of variants on gene product structure and function are not available or were not evaluated for this variant. Experimental studies have shown that this premature translational stop signal affects CRYGC function (PMID: 21436266). In summary, the available evidence is currently insufficient to determine the role of this variant in disease. Therefore, it has been classified as a Variant of Uncertain Significance.

GeneDx
Classification: Pathogenic. Last evaluated: 2025-09-11. Review status: criteria provided, single submitter. Criteria: GeneDx Variant Classification Process June 2021. Collection method: clinical testing. Allele origin: germline. Affected: yes.
Comment: Published functional studies demonstrate abnormal lens morphology in cells expressing the variant in transgenic mice (PMID: 21436266); Frameshift variant predicted to result in abnormal protein length as the last 133 amino acid(s) are replaced with 62 different amino acid(s), and other similar variants have been reported in HGMD; Not observed at significant frequency in large population cohorts (gnomAD); This variant is associated with the following publications: (PMID: 8190472, 38068917, 21436266, 10914683)

OMIM
Classification: Pathogenic for CATARACT 2, ZONULAR PULVERULENT. Last evaluated: 2000-05-01. Review status: no assertion criteria provided. Collection method: literature only. Allele origin: germline. Not counted in ClinVar's aggregate classification.

Literature cited by the submitters: PubMed 10914683 (cited by Labcorp Genetics (formerly Invitae), Labcorp and OMIM); PubMed 21436266 (cited by Labcorp Genetics (formerly Invitae), Labcorp); PubMed 8190472 (cited by OMIM).

NM_020989.4(CRYGC):c.119_123dup (p.Cys42fs)

Genes: CRYGC (crystallin gamma C; minus strand), LOC100507443 (uncharacterized LOC100507443; plus strand). Cytogenetic location: 2q33.3.
Variant type: Duplication.
Coding change: c.119_123dup on transcript NM_020989.4 (MANE Select); coding-DNA positions 119 to 123, 5 bases duplicated (GCGGC; older notation c.119_123dupGCGGC).
Protein change: p.Cys42fs; shifts the reading frame from cysteine 42.
Molecular consequence: frameshift variant.
Genome position (GRCh38, 1-based): chr2:208,129,570-208,129,574, GCCGC duplicated on the plus strand (GCGGC on the coding strand, the reverse complement: CRYGC is on the minus strand). VCF-style (leftmost placement, unchanged base first): chr2-208129569-A-AGCCGC. GRCh37 (hg19) VCF-style: chr2-208994293-A-AGCCGC.
Other names: short protein forms C42fs.
Identifiers: ClinVar variation 16944 (VCV000016944.3), dbSNP rs1695062782, ClinGen allele CA1139657648.